The following is an entry in ClinVar:

ClinVar aggregate classification (germline): Uncertain significance (1 of 4 stars; one submission).

Conditions:
Left ventricular noncompaction 8 (LVNC8). Identifiers: Orphanet 154, Orphanet 54260, MedGen C3809288, MONDO:0014152, OMIM 615373.

Submission:

Labcorp Genetics (formerly Invitae), Labcorp
Classification: Uncertain significance for Left ventricular noncompaction 8. Last evaluated: 2019-06-27. Review status: criteria provided, single submitter. Criteria: Invitae Variant Classification Sherloc (09022015). Collection method: clinical testing. Allele origin: germline.
Comment: This variant has not been reported in the literature in individuals with PRDM16-related conditions. This variant is not present in population databases (ExAC no frequency). This sequence change replaces aspartic acid with asparagine at codon 585 of the PRDM16 protein (p.Asp585Asn). The aspartic acid residue is moderately conserved and there is a small physicochemical difference between aspartic acid and asparagine. Algorithms developed to predict the effect of missense changes on protein structure and function output the following: SIFT: "Tolerated"; PolyPhen-2: "Benign"; Align-GVGD: "Class C0". The asparagine amino acid residue is found in multiple mammalian species, suggesting that this missense change does not adversely affect protein function. These predictions have not been confirmed by published functional studies and their clinical significance is uncertain. In summary, the available evidence is currently insufficient to determine the role of this variant in disease. Therefore, it has been classified as a Variant of Uncertain Significance.

NM_022114.4(PRDM16):c.1753G>A (p.Asp585Asn)

Gene: PRDM16 (PR/SET domain 16; plus strand). Cytogenetic location: 1p36.32.
Variant type: single nucleotide variant.
Coding change: c.1753G>A on transcript NM_022114.4 (MANE Select); coding-DNA position 1753, G replaced by A.
Protein change: p.Asp585Asn; replaces aspartic acid 585 with asparagine.
Molecular consequence: missense variant.
Genome position (GRCh38, 1-based): chr1:3,411,950, G>A. VCF-style: chr1-3411950-G-A. GRCh37 (hg19) VCF-style: chr1-3328514-G-A.
Other names: c.1753G>A, p.Asp585Asn (NM_199454.3); short protein forms D585N.
Identifiers: ClinVar variation 943145 (VCV000943145.9), dbSNP rs1643695439, ClinGen allele CA337998926.